The following is an entry in ClinVar:

ClinVar aggregate classification (germline): Uncertain significance (1 of 4 stars; one submission).

Allele frequency attached by ClinVar (database versions not stated): TOPMed 0.00001.
gnomAD v4.1: 5 of 1,614,164 alleles (0.00031%); highest among the groups gnomAD compares: Non-Finnish European, 0.00034%; no homozygotes.

Submission:

Labcorp Genetics (formerly Invitae), Labcorp
Classification: Uncertain significance. Last evaluated: 2024-10-09. Review status: criteria provided, single submitter. Criteria: Invitae Variant Classification Sherloc (09022015). Collection method: clinical testing. Allele origin: germline.
Comment: This sequence change replaces arginine, which is basic and polar, with tryptophan, which is neutral and slightly polar, at codon 705 of the CACNA1D protein (p.Arg705Trp). This variant is not present in population databases (gnomAD no frequency). This variant has not been reported in the literature in individuals affected with CACNA1D-related conditions. ClinVar contains an entry for this variant (Variation ID: 2200433). Invitae Evidence Modeling of protein sequence and biophysical properties (such as structural, functional, and spatial information, amino acid conservation, physicochemical variation, residue mobility, and thermodynamic stability) indicates that this missense variant is expected to disrupt CACNA1D protein function with a positive predictive value of 80%. In summary, the available evidence is currently insufficient to determine the role of this variant in disease. Therefore, it has been classified as a Variant of Uncertain Significance.

NM_001128840.3(CACNA1D):c.2053C>T (p.Arg685Trp)

Gene: CACNA1D (calcium voltage-gated channel subunit alpha1 D; plus strand). Cytogenetic location: 3p21.1.
Variant type: single nucleotide variant.
Coding change: c.2053C>T on transcript NM_001128840.3 (MANE Select); coding-DNA position 2053, C replaced by T.
Protein change: p.Arg685Trp; replaces arginine 685 with tryptophan.
Molecular consequence: missense variant.
Genome position (GRCh38, 1-based): chr3:53,723,952, C>T. VCF-style: chr3-53723952-C-T. GRCh37 (hg19) VCF-style: chr3-53757979-C-T.
Other names: c.2113C>T, p.Arg705Trp (NM_000720.4); c.2053C>T, p.Arg685Trp (NM_001128839.3); short protein forms R685W, R705W.
Identifiers: ClinVar variation 2200433 (VCV002200433.4), dbSNP rs763320856, ClinGen allele CA74848500.